The following is an entry in ClinVar:

ClinVar aggregate classification (germline): Uncertain significance (1 of 4 stars; one submission).

gnomAD v4.1: 2 of 1,614,214 alleles (0.00012%); highest among the groups gnomAD compares: Non-Finnish European, 0.00017%; no homozygotes.

Submission:

GeneDx
Classification: Uncertain significance. Last evaluated: 2025-03-12. Review status: criteria provided, single submitter. Criteria: GeneDx Variant Classification Process June 2021. Collection method: clinical testing. Allele origin: germline. Affected: yes.
Comment: Not observed at significant frequency in large population cohorts (gnomAD); In silico analysis supports that this missense variant has a deleterious effect on protein structure/function; Has not been previously published as pathogenic or benign to our knowledge

NM_000384.3(APOB):c.5595C>A (p.Ser1865Arg)

Gene: APOB (apolipoprotein B; minus strand). Cytogenetic location: 2p24.1.
Variant type: single nucleotide variant.
Coding change: c.5595C>A on transcript NM_000384.3 (MANE Select); coding-DNA position 5595, C replaced by A.
Protein change: p.Ser1865Arg; replaces serine 1865 with arginine.
Molecular consequence: missense variant.
Genome position (GRCh38, 1-based): chr2:21,011,273, G>T on the plus strand (C>A on the coding strand, the complement: APOB is on the minus strand). VCF-style: chr2-21011273-G-T. GRCh37 (hg19) VCF-style: chr2-21234145-G-T.
Other names: short protein forms S1865R.
Identifiers: ClinVar variation 4083036 (VCV004083036.1).